The following is an entry in ClinVar:

NM_001001957.2(OR2W3):c.608C>T (p.Ala203Val)

Gene: OR2W3 (olfactory receptor family 2 subfamily W member 3; plus strand). Cytogenetic location: 1q44.
Variant type: single nucleotide variant.
Coding change: c.608C>T on transcript NM_001001957.2 (MANE Select); coding-DNA position 608, C replaced by T.
Protein change: p.Ala203Val; replaces alanine 203 with valine.
Molecular consequence: missense variant.
Genome position (GRCh38, 1-based): chr1:247,896,194, C>T. VCF-style: chr1-247896194-C-T. GRCh37 (hg19) VCF-style: chr1-248059496-C-T.
Other names: short protein forms A203V.
Identifiers: ClinVar variation 1346044 (VCV001346044.6), dbSNP rs149567265, ClinGen allele CA1498648.

ClinVar aggregate classification (germline): Uncertain significance (1 of 4 stars; one submission).

Allele frequency attached by ClinVar (database versions not stated): gnomAD exomes 0.00006 and 0.00016; ExAC 0.00012; ESP Exome Variant Server 0.00023; gnomAD 0.00024 and 0.00026; TOPMed 0.00037.

Submission:

Labcorp Genetics (formerly Invitae), Labcorp
Classification: Uncertain significance. Last evaluated: 2025-11-25. Review status: criteria provided, single submitter. Criteria: Invitae Variant Classification Sherloc (09022015). Collection method: clinical testing. Allele origin: germline.
Comment: This sequence change replaces alanine, which is neutral and non-polar, with valine, which is neutral and non-polar, at codon 203 of the OR2W3 protein (p.Ala203Val). This variant is present in population databases (rs149567265, gnomAD 0.09%), and has an allele count higher than expected for a pathogenic variant. This variant has not been reported in the literature in individuals affected with OR2W3-related conditions. ClinVar contains an entry for this variant (Variation ID: 1346044). An algorithm developed to predict the effect of missense changes on protein structure and function (PolyPhen-2) suggests that this variant is likely to be disruptive. In summary, the available evidence is currently insufficient to determine the role of this variant in disease. Therefore, it has been classified as a Variant of Uncertain Significance.